The following is an entry in ClinVar:

NM_032119.4(ADGRV1):c.1506G>A (p.Ala502=)

Gene: ADGRV1 (adhesion G protein-coupled receptor V1; plus strand). Cytogenetic location: 5q14.3.
Variant type: single nucleotide variant.
Coding change: c.1506G>A on transcript NM_032119.4 (MANE Select); coding-DNA position 1506, G replaced by A.
Protein change: p.Ala502=; no amino-acid change (alanine 502 retained).
Molecular consequence: synonymous variant. On other transcripts: non-coding transcript variant (1).
Genome position (GRCh38, 1-based): chr5:90,628,829, G>A. VCF-style: chr5-90628829-G-A. GRCh37 (hg19) VCF-style: chr5-89924646-G-A.
Other names: c.1506G>A (NM_032119.3).
Identifiers: ClinVar variation 1135702 (VCV001135702.17), dbSNP rs761154537, ClinGen allele CA3338696.

ClinVar aggregate classification (germline): Likely benign. Review status: criteria provided, multiple submitters, no conflicts (2 of 4 stars). 4 submissions from 4 submitters: Likely benign (4). Last evaluated 2025-11-01.

Conditions:
ADGRV1-related disorder. Also called: ADGRV1-related disorders; ADGRV1-related condition.

Allele frequency attached by ClinVar (database versions not stated): TOPMed 0.00001; gnomAD 0.00004; gnomAD exomes 0.00005; ExAC 0.00006.
gnomAD v4.1: 81 of 1,613,556 alleles (0.005%); highest among the groups gnomAD compares: Admixed American, 0.0083%; no homozygotes.

Submissions (4):

CeGaT Center for Human Genetics Tuebingen
Classification: Likely benign. Last evaluated: 2025-11-01. Review status: criteria provided, single submitter. Criteria: CeGaT Center For Human Genetics Tuebingen Variant Classification Criteria Version 2. Collection method: clinical testing. Allele origin: germline. Affected: yes. Observed: 1 variant allele.
Comment: ADGRV1: BP4, BP7

Labcorp Genetics (formerly Invitae), Labcorp
Classification: Likely benign. Last evaluated: 2025-06-04. Review status: criteria provided, single submitter. Criteria: Invitae Variant Classification Sherloc (09022015). Collection method: clinical testing. Allele origin: germline.

PreventionGenetics, part of Exact Sciences
Classification: Likely benign for ADGRV1-related condition. Last evaluated: 2025-01-31. Review status: criteria provided, single submitter. Criteria: ACMG Guidelines, 2015. Collection method: clinical testing. Allele origin: germline.
Comment: This variant is classified as likely benign based on ACMG/AMP sequence variant interpretation guidelines (Richards et al. 2015 PMID: 25741868, with internal and published modifications).

Blueprint Genetics
Classification: Likely benign. Last evaluated: 2024-11-01. Review status: criteria provided, single submitter. Criteria: ACMG Guidelines, 2015. Collection method: clinical testing. Allele origin: germline.